The following is an entry in ClinVar:

NM_000059.4(BRCA2):c.8317_8330del (p.Ser2773fs)

Gene: BRCA2 (BRCA2 DNA repair associated; plus strand). Cytogenetic location: 13q13.1.
Variant type: Deletion.
Coding change: c.8317_8330del on transcript NM_000059.4 (MANE Select); coding-DNA positions 8317 to 8330, 14 bases deleted (TCTCTTATGTTAAA).
Protein change: p.Ser2773fs; shifts the reading frame from serine 2773.
Molecular consequence: frameshift variant.
Genome position (GRCh38, 1-based): chr13:32,363,519-32,363,532, TCTCTTATGTTAAA deleted; deleting any 14 consecutive bases within chr13:32,363,517-32,363,532 gives the same sequence; the c. name uses the placement nearest the transcript's 3' end. VCF-style (leftmost placement, unchanged base first): chr13-32363516-GAATCTCTTATGTTA-G. GRCh37 (hg19) VCF-style: chr13-32937653-GAATCTCTTATGTTA-G.
Other names: c.8317_8330delTCTCTTATGTTAAA (NM_000059.3); short protein forms S2773fs.
Identifiers: ClinVar variation 52544 (VCV000052544.3), dbSNP rs397507976, ClinGen allele CA025565.
Genomic context (GRCh38, chr13:32,363,516, plus strand): 5'-ATTCTTCATGGAGCAGAACTGGTGGGCTCTCCTGATGCCTGTACACCTCTTGAAGCCCCA[GAATCTCTTATGTTA>G]AAGGTAAATTAATTTGCACTCTTGGTAAAAATCAGTCATTGATTCAGTTAAATTCTAGAA-3'

ClinVar aggregate classification (germline): Pathogenic. Review status: reviewed by expert panel (3 of 4 stars). 2 submissions from 2 submitters: Pathogenic (1). 1 of the submissions does not count toward it. Last evaluated 2017-12-15.

Conditions:
Familial cancer of breast. Also called: BREAST CANCER, FAMILIAL; Hereditary breast cancer; hereditary breast carcinoma. Identifiers: Orphanet 227535, MedGen C0346153, MONDO:0016419, OMIM 114480. Disease mechanism: loss of function.
Breast-ovarian cancer, familial, susceptibility to, 2 (BROVCA2). Also called: BRCA2 Hereditary Breast and Ovarian Cancer. Identifiers: Orphanet 145, MedGen C2675520, MONDO:0012933, OMIM 612555. Disease mechanism: loss of function.

Submissions (2):

Evidence-based Network for the Interpretation of Germline Mutant Alleles (ENIGMA)
Classification: Pathogenic for Breast-ovarian cancer, familial, susceptibility to, 2. Last evaluated: 2017-12-15. Review status: reviewed by expert panel. Criteria: ENIGMA BRCA1/2 Classification Criteria (2017-06-29). Collection method: curation. Allele origin: germline. Study: ENIGMA.
Comment: Variant allele predicted to encode a truncated non-functional protein.

ClinVar Staff, National Center for Biotechnology Information (NCBI)
No classification provided. Condition: Familial cancer of breast. Review status: no classification provided. Collection method: literature only. Allele origin: germline. Affected: yes. Not counted in ClinVar's aggregate classification.

Literature cited by the submitters: PubMed 16683254 (cited by ClinVar Staff, National Center for Biotechnology Information (NCBI)).